The following is an entry in ClinVar:

NM_152424.4(AMER1):c.1203AGA[1] (p.Glu402del)

Gene: AMER1 (APC membrane recruitment protein 1; minus strand). Cytogenetic location: Xq11.2.
Variant type: Microsatellite.
Coding change: c.1203AGA[1] on transcript NM_152424.4 (MANE Select); one copy of the 3-base unit AGA starting at c.1203; the reference has two copies in a row; one copy, 3 bases deleted.
Protein change: p.Glu402del; deletes glutamic acid 402.
Molecular consequence: inframe deletion.
Genome position (GRCh38, 1-based): chrX:64,192,079-64,192,081, TCT deleted on the plus strand (AGA on the coding strand, the reverse complement: AMER1 is on the minus strand); deleting any 3 consecutive bases within chrX:64,192,079-64,192,086 gives the same sequence; the position shown is the placement nearest the transcript's 3' end. VCF-style (leftmost placement, unchanged base first): chrX-64192078-ATCT-A. GRCh37 (hg19) VCF-style: chrX-63411958-ATCT-A.
Other names: short protein forms E402del.
Identifiers: ClinVar variation 3016480 (VCV003016480.3), dbSNP rs2521220515, ClinGen allele CA2693918802.
Genomic context (GRCh38, chrX:64,192,078, plus strand): 5'-CAGGTTCATATTGGGCCGTGGATACATTTGGGCAGTTTCCCACAGATATTCTAAGTCATC[ATCT>A]TCTTCCTCCTCCTTAACCTCCTCTTCTTCCTCCTCTAATTCCACCTCTTCTTCCTCTTCT-3'

ClinVar aggregate classification (germline): Uncertain significance (1 of 4 stars; one submission).

Submission:

Labcorp Genetics (formerly Invitae), Labcorp
Classification: Uncertain significance. Last evaluated: 2024-04-10. Review status: criteria provided, single submitter. Criteria: Invitae Variant Classification Sherloc (09022015). Collection method: clinical testing. Allele origin: germline.
Comment: This variant, c.1206_1208del, results in the deletion of 1 amino acid(s) of the AMER1 protein (p.Glu402del), but otherwise preserves the integrity of the reading frame. This variant is not present in population databases (gnomAD no frequency). This variant has not been reported in the literature in individuals affected with AMER1-related conditions. Experimental studies and prediction algorithms are not available or were not evaluated, and the functional significance of this variant is currently unknown. In summary, the available evidence is currently insufficient to determine the role of this variant in disease. Therefore, it has been classified as a Variant of Uncertain Significance.